The following is an entry in ClinVar:

NM_019066.5(MAGEL2):c.2415A>G (p.Lys805=)

Gene: MAGEL2 (MAGE family member L2; minus strand). Cytogenetic location: 15q11.2.
Variant type: single nucleotide variant.
Coding change: c.2415A>G on transcript NM_019066.5 (MANE Select); coding-DNA position 2415, A replaced by G.
Protein change: p.Lys805=; no amino-acid change (lysine 805 retained).
Molecular consequence: synonymous variant.
Genome position (GRCh38, 1-based): chr15:23,645,328, T>C on the plus strand (A>G on the coding strand, the complement: MAGEL2 is on the minus strand). VCF-style: chr15-23645328-T-C. GRCh37 (hg19) VCF-style: chr15-23890475-T-C.
Identifiers: ClinVar variation 3620723 (VCV003620723.2).
Genomic context (GRCh38, chr15:23,645,328, plus strand): 5'-AAAGGGATCCTGCAGAGCATATGGCAGTGACTTTGGGGTCTCTGAGGCAGCAGAGGGGCC[T>C]TTAAAGGCATTCAGAGAGGCAGGCTGAAACTGGGAGGTAGCTGGGAAGACACTTGAGGAG-3'
Protein context (NP_061939.3, residues 795-815): QFQPASLNAF[Lys805=]GPSAASETPK

ClinVar aggregate classification (germline): Uncertain significance (1 of 4 stars; one submission).

Submission:

Labcorp Genetics (formerly Invitae), Labcorp
Classification: Uncertain significance. Last evaluated: 2024-05-26. Review status: criteria provided, single submitter. Criteria: Invitae Variant Classification Sherloc (09022015). Collection method: clinical testing. Allele origin: germline.
Comment: This sequence change affects codon 805 of the MAGEL2 mRNA. It is a 'silent' change, meaning that it does not change the encoded amino acid sequence of the MAGEL2 protein. This variant is not present in population databases (gnomAD no frequency). This variant has not been reported in the literature in individuals affected with MAGEL2-related conditions. In summary, the available evidence is currently insufficient to determine the role of this variant in disease. Therefore, it has been classified as a Variant of Uncertain Significance.